The following is an entry in ClinVar:

NM_139057.4(ADAMTS17):c.*2747T>G

Gene: ADAMTS17 (ADAM metallopeptidase with thrombospondin type 1 motif 17; minus strand). Cytogenetic location: 15q26.3.
Variant type: single nucleotide variant.
Coding change: c.*2747T>G on transcript NM_139057.4 (MANE Select); 2747 bases downstream of the stop codon, T replaced by G.
Molecular consequence: 3 prime UTR variant.
Genome position (GRCh38, 1-based): chr15:99,971,655, A>C on the plus strand (T>G on the coding strand, the complement: ADAMTS17 is on the minus strand). VCF-style: chr15-99971655-A-C. GRCh37 (hg19) VCF-style: chr15-100511860-A-C.
Identifiers: ClinVar variation 887139 (VCV000887139.4), dbSNP rs183457005, ClinGen allele CA275481871.

ClinVar aggregate classification (germline): Likely benign (1 of 4 stars; one submission).

Conditions:
Weill-Marchesani 4 syndrome, recessive. Also called: Weill-Marchesani syndrome 4. Identifiers: Orphanet 363992, MedGen C2750787, MONDO:0013176, OMIM 613195.

Allele frequency attached by ClinVar (database versions not stated): gnomAD 0.00066 and 0.00113; TOPMed 0.00083; 1000 Genomes Project 30x 0.00328; 1000 Genomes Project 0.00359.

Submission:

Illumina Laboratory Services, Illumina
Classification: Likely benign for Weill-Marchesani 4 syndrome, recessive. Last evaluated: 2018-01-13. Review status: criteria provided, single submitter. Criteria: ICSL Variant Classification Criteria 13 December 2019. Collection method: clinical testing. Allele origin: germline.
Comment: This variant was observed in the ICSL laboratory as part of a predisposition screen in an ostensibly healthy population. It had not been previously curated by ICSL or reported in the Human Gene Mutation Database (HGMD: prior to June 1st, 2018), and was therefore a candidate for classification through an automated scoring system. Utilizing variant allele frequency, disease prevalence and penetrance estimates, and inheritance mode, an automated score was calculated to assess if this variant is too frequent to cause the disease. Based on the score and internal cut-off values, a variant classified as likely benign is not then subjected to further curation. The score for this variant resulted in a classification of likely benign for this disease.